The following is an entry in ClinVar:

NM_005732.4(RAD50):c.2489A>G (p.Gln830Arg)

Gene: RAD50 (RAD50 double strand break repair protein; plus strand). Cytogenetic location: 5q31.1.
Variant type: single nucleotide variant.
Coding change: c.2489A>G on transcript NM_005732.4 (MANE Select); coding-DNA position 2489, A replaced by G.
Protein change: p.Gln830Arg; replaces glutamine 830 with arginine.
Molecular consequence: missense variant.
Genome position (GRCh38, 1-based): chr5:132,604,011, A>G. VCF-style: chr5-132604011-A-G. GRCh37 (hg19) VCF-style: chr5-131939703-A-G.
Other names: short protein forms Q830R.
Identifiers: ClinVar variation 527353 (VCV000527353.11), dbSNP rs1554099154, ClinGen allele CA360955769.

ClinVar aggregate classification (germline): Uncertain significance. Review status: criteria provided, multiple submitters, no conflicts (2 of 4 stars). 2 submissions from 2 submitters: Uncertain significance (2). Last evaluated 2024-08-06.

Conditions:
Hereditary cancer-predisposing syndrome. Also called: Neoplastic Syndromes, Hereditary; Tumor predisposition; Hereditary Cancer Syndrome; Hereditary neoplastic syndrome. Identifiers: Orphanet 140162, MedGen C0027672, MeSH D009386, MONDO:0015356.

Submissions (2):

Ambry Genetics
Classification: Uncertain significance for Hereditary cancer-predisposing syndrome. Last evaluated: 2024-08-06. Review status: criteria provided, single submitter. Criteria: Ambry Variant Classification Scheme 2023. Collection method: clinical testing. Allele origin: germline.
Comment: The p.Q830R variant (also known as c.2489A>G), located in coding exon 15 of the RAD50 gene, results from an A to G substitution at nucleotide position 2489. The glutamine at codon 830 is replaced by arginine, an amino acid with highly similar properties. This amino acid position is conserved. In addition, this alteration is predicted to be tolerated by in silico analysis. Based on the available evidence, the clinical significance of this variant remains unclear.

Labcorp Genetics (formerly Invitae), Labcorp
Classification: Uncertain significance for Hereditary cancer-predisposing syndrome. Last evaluated: 2022-11-23. Review status: criteria provided, single submitter. Criteria: Invitae Variant Classification Sherloc (09022015). Collection method: clinical testing. Allele origin: germline.
Comment: In summary, the available evidence is currently insufficient to determine the role of this variant in disease. Therefore, it has been classified as a Variant of Uncertain Significance. Advanced modeling of protein sequence and biophysical properties (such as structural, functional, and spatial information, amino acid conservation, physicochemical variation, residue mobility, and thermodynamic stability) performed at Invitae indicates that this missense variant is not expected to disrupt RAD50 protein function. ClinVar contains an entry for this variant (Variation ID: 527353). This variant has not been reported in the literature in individuals affected with RAD50-related conditions. This variant is not present in population databases (gnomAD no frequency). This sequence change replaces glutamine, which is neutral and polar, with arginine, which is basic and polar, at codon 830 of the RAD50 protein (p.Gln830Arg).